The following is an entry in ClinVar:

ClinVar aggregate classification (germline): Pathogenic (1 of 4 stars; one submission).

Conditions:
Primary ciliary dyskinesia 14. Also called: CILIARY DYSKINESIA, PRIMARY, 14, WITH OR WITHOUT SITUS INVERSUS. Identifiers: Orphanet 244, MedGen C3151136, MONDO:0013434, OMIM 613807.

Submission:

3billion
Classification: Pathogenic for Primary ciliary dyskinesia 14. Last evaluated: 2025-07-31. Review status: criteria provided, single submitter. Criteria: ACMG Guidelines, 2015. Collection method: clinical testing. Allele origin: germline. Affected: yes.
Comment: The variant is observed at an extremely low frequency in the gnomAD v4.1.0 dataset (total allele frequency: <0.001%). Predicted Consequence/Location: Frameshift: predicted to result in a loss or disruption of normal protein function through nonsense-mediated decay (NMD) or protein truncation. Multiple pathogenic variants are reported downstream of the variant. Therefore, this variant is classified as Pathogenic according to the recommendation of ACMG/AMP guideline.

NM_181426.2(CCDC39):c.1553_1563del (p.Ala518fs)

Gene: CCDC39 (coiled-coil domain 39 molecular ruler complex subunit; minus strand). Cytogenetic location: 3q26.33.
Variant type: Deletion.
Coding change: c.1553_1563del on transcript NM_181426.2 (MANE Select); coding-DNA positions 1553 to 1563, 11 bases deleted (CACATAGTAAA).
Protein change: p.Ala518fs; shifts the reading frame from alanine 518.
Molecular consequence: frameshift variant.
Genome position (GRCh38, 1-based): chr3:180,644,222-180,644,232, TTTACTATGTG deleted on the plus strand (CACATAGTAAA on the coding strand, the reverse complement: CCDC39 is on the minus strand). VCF-style (leftmost placement, unchanged base first): chr3-180644221-TTTTACTATGTG-T. GRCh37 (hg19) VCF-style: chr3-180362009-TTTTACTATGTG-T.
Other names: short protein forms A518fs.
Identifiers: ClinVar variation 4854737 (VCV004854737.1).